The following is an entry in ClinVar:

ClinVar aggregate classification (germline): Uncertain significance (1 of 4 stars; one submission).

Conditions:
Peutz-Jeghers syndrome (PJS). Also called: Peutz-Jeghers polyposis; Periorificial lentiginosis syndrome; POLYPOSIS, HAMARTOMATOUS INTESTINAL; POLYPS-AND-SPOTS SYNDROME. Identifiers: Orphanet 2869, MedGen C0031269, MeSH D010580, MONDO:0008280, OMIM 175200.

Submission:

Labcorp Genetics (formerly Invitae), Labcorp
Classification: Uncertain significance for Peutz-Jeghers syndrome. Last evaluated: 2025-08-07. Review status: criteria provided, single submitter. Criteria: Invitae Variant Classification Sherloc (09022015). Collection method: clinical testing. Allele origin: germline.
Comment: This sequence change replaces glycine, which is neutral and non-polar, with valine, which is neutral and non-polar, at codon 155 of the STK11 protein (p.Gly155Val). This variant also falls at the last nucleotide of exon 3, which is part of the consensus splice site for this exon. This variant is not present in population databases (gnomAD no frequency). This variant has not been reported in the literature in individuals affected with STK11-related conditions. ClinVar contains an entry for this variant (Variation ID: 2057964). An algorithm developed to predict the effect of missense changes on protein structure and function (PolyPhen-2) suggests that this variant is likely to be disruptive. Variants that disrupt the consensus splice site are a relatively common cause of aberrant splicing (PMID: 17576681, 9536098). Algorithms developed to predict the effect of sequence changes on RNA splicing suggest that this variant may disrupt the consensus splice site. In summary, the available evidence is currently insufficient to determine the role of this variant in disease. Therefore, it has been classified as a Variant of Uncertain Significance.

Literature cited by the submitters: PubMed 17576681; PubMed 9536098.

NM_000455.5(STK11):c.464G>T (p.Gly155Val)

Gene: STK11 (serine/threonine kinase 11; plus strand). Cytogenetic location: 19p13.3.
Variant type: single nucleotide variant.
Coding change: c.464G>T on transcript NM_000455.5 (MANE Select); coding-DNA position 464, G replaced by T.
Protein change: p.Gly155Val; replaces glycine 155 with valine.
Molecular consequence: missense variant.
Genome position (GRCh38, 1-based): chr19:1,219,413, G>T. VCF-style: chr19-1219413-G-T. GRCh37 (hg19) VCF-style: chr19-1219412-G-T.
Other names: c.464G>T, p.Gly155Val (NM_001407255.1); short protein forms G155V.
Identifiers: ClinVar variation 2057964 (VCV002057964.4), dbSNP rs1555737830, ClinGen allele CA402948403.
Genomic context (GRCh38, chr19:1,219,413, plus strand): 5'-GCATGCAGGAAATGCTGGACAGCGTGCCGGAGAAGCGTTTCCCAGTGTGCCAGGCCCACG[G>T]GTGCGTGCGCGGGGCAGGGGCCAGGGTGGGGCGGGGGCCGGGGGCCAGGCAGGGCAGGCT-3'
Protein context (NP_000446.1, residues 145-165): EKRFPVCQAH[Gly155Val]YFCQLIDGLE